The following is an entry in ClinVar:

ClinVar aggregate classification (germline): Uncertain significance (1 of 4 stars; one submission).

Submission:

GeneDx
Classification: Uncertain significance. Last evaluated: 2025-03-20. Review status: criteria provided, single submitter. Criteria: GeneDx Variant Classification Process June 2021. Collection method: clinical testing. Allele origin: germline. Affected: yes.
Comment: See Variant Classification Assertion Criteria.

NM_006015.6(ARID1A):c.3199-3C>A

Gene: ARID1A (AT-rich interaction domain 1A; plus strand). Cytogenetic location: 1p36.11.
Variant type: single nucleotide variant.
Coding change: c.3199-3C>A on transcript NM_006015.6 (MANE Select); 3 bases into the intron before coding-DNA position 3199, C replaced by A.
Molecular consequence: intron variant.
Genome position (GRCh38, 1-based): chr1:26,771,116, C>A. VCF-style: chr1-26771116-C-A. GRCh37 (hg19) VCF-style: chr1-27097607-C-A.
Other names: c.3199-3C>A (NM_139135.4).
Identifiers: ClinVar variation 4086455 (VCV004086455.1).